The following is an entry in ClinVar:

NM_003839.4(TNFRSF11A):c.1353C>G (p.Asn451Lys)

Gene: TNFRSF11A (TNF receptor superfamily member 11a; plus strand). Cytogenetic location: 18q21.33.
Variant type: single nucleotide variant.
Coding change: c.1353C>G on transcript NM_003839.4 (MANE Select); coding-DNA position 1353, C replaced by G.
Protein change: p.Asn451Lys; replaces asparagine 451 with lysine.
Molecular consequence: missense variant. On other transcripts: intron variant (3).
Genome position (GRCh38, 1-based): chr18:62,369,270, C>G. VCF-style: chr18-62369270-C-G. GRCh37 (hg19) VCF-style: chr18-60036503-C-G.
Other names: c.1311C>G, p.Asn437Lys (NM_001278268.2); c.783+2510C>G (NM_001270949.2); c.730+7477C>G (NM_001270950.2); c.616+9221C>G (NM_001270951.2); short protein forms N437K, N451K.
Identifiers: ClinVar variation 3033784 (VCV003033784.5), dbSNP rs1600407119, ClinGen allele CA402617803.

ClinVar aggregate classification (germline): Uncertain significance. Review status: criteria provided, multiple submitters, no conflicts (2 of 4 stars). 3 submissions from 3 submitters: Uncertain significance (2). 1 of the submissions does not count toward it. Last evaluated 2025-01-01.

Conditions:
TNFRSF11A-related disorder. Also called: TNFRSF11A-related condition.

gnomAD v4.1: 1 of 1,613,432 alleles (0.000062%); highest among the groups gnomAD compares: Non-Finnish European, 0.000085%; no homozygotes.

Submissions (3):

Labcorp Genetics (formerly Invitae), Labcorp
Classification: Uncertain significance. Last evaluated: 2025-01-01. Review status: criteria provided, single submitter. Criteria: Invitae Variant Classification Sherloc (09022015). Collection method: clinical testing. Allele origin: germline.
Comment: This sequence change replaces asparagine, which is neutral and polar, with lysine, which is basic and polar, at codon 451 of the TNFRSF11A protein (p.Asn451Lys). This variant is not present in population databases (gnomAD no frequency). This variant has not been reported in the literature in individuals affected with TNFRSF11A-related conditions. ClinVar contains an entry for this variant (Variation ID: 3033784). An algorithm developed to predict the effect of missense changes on protein structure and function (PolyPhen-2) suggests that this variant is likely to be tolerated. In summary, the available evidence is currently insufficient to determine the role of this variant in disease. Therefore, it has been classified as a Variant of Uncertain Significance.

Blueprint Genetics
Classification: Uncertain significance. Last evaluated: 2023-03-15. Review status: criteria provided, single submitter. Criteria: ACMG Guidelines, 2015. Collection method: clinical testing. Allele origin: germline.

PreventionGenetics, part of Exact Sciences
Classification: Uncertain significance for TNFRSF11A-related condition. Last evaluated: 2023-10-19. Review status: no assertion criteria provided. Collection method: clinical testing. Allele origin: germline. Not counted in ClinVar's aggregate classification.
Comment: The TNFRSF11A c.1353C>G variant is predicted to result in the amino acid substitution p.Asn451Lys. To our knowledge, this variant has not been reported in the literature or in a large population database, indicating this variant is rare. At this time, the clinical significance of this variant is uncertain due to the absence of conclusive functional and genetic evidence.